The following is an entry in ClinVar:

ClinVar aggregate classification (germline): Uncertain significance (1 of 4 stars; one submission).

Conditions:
Inborn genetic diseases. Identifiers: MedGen C0950123, MeSH D030342.

Submission:

Ambry Genetics
Classification: Uncertain significance for Inborn genetic diseases. Last evaluated: 2024-05-31. Review status: criteria provided, single submitter. Criteria: Ambry Variant Classification Scheme 2023. Collection method: clinical testing. Allele origin: germline.
Comment: The c.924C>G (p.H308Q) alteration is located in exon 2 (coding exon 1) of the KCNA1 gene. This alteration results from a C to G substitution at nucleotide position 924, causing the histidine (H) at amino acid position 308 to be replaced by a glutamine (Q). This variant was not reported in population-based cohorts in the Genome Aggregation Database (gnomAD). This amino acid position is highly conserved in available vertebrate species. This alteration is predicted to be deleterious by in silico analysis. Based on insufficient or conflicting evidence, the clinical significance of this alteration remains unclear.

NM_000217.3(KCNA1):c.924C>G (p.His308Gln)

Gene: KCNA1 (potassium voltage-gated channel subfamily A member 1; plus strand). Cytogenetic location: 12p13.32.
Variant type: single nucleotide variant.
Coding change: c.924C>G on transcript NM_000217.3 (MANE Select); coding-DNA position 924, C replaced by G.
Protein change: p.His308Gln; replaces histidine 308 with glutamine.
Molecular consequence: missense variant.
Genome position (GRCh38, 1-based): chr12:4,912,302, C>G. VCF-style: chr12-4912302-C-G. GRCh37 (hg19) VCF-style: chr12-5021468-C-G.
Other names: short protein forms H308Q.
Identifiers: ClinVar variation 3287482 (VCV003287482.1).